The following is an entry in ClinVar:

NM_001374736.1(DST):c.295G>T (p.Val99Leu)

Gene: DST (dystonin; minus strand). Cytogenetic location: 6p12.1.
Variant type: single nucleotide variant.
Coding change: c.295G>T on transcript NM_001374736.1 (MANE Select); coding-DNA position 295, G replaced by T.
Protein change: p.Val99Leu; replaces valine 99 with leucine.
Molecular consequence: missense variant. On other transcripts: genic upstream transcript variant (1).
Genome position (GRCh38, 1-based): chr6:56,900,543, C>A on the plus strand (G>T on the coding strand, the complement: DST is on the minus strand). VCF-style: chr6-56900543-C-A. GRCh37 (hg19) VCF-style: chr6-56765341-C-A.
Other names: c.295G>T, p.Val99Leu (NM_001144769.5, NM_001374722.1); c.322G>T, p.Val108Leu (NM_001374734.1); c.-257755G>T (NM_001723.7); short protein forms V108L, V99L.
Identifiers: ClinVar variation 4689258 (VCV004689258.1).

ClinVar aggregate classification (germline): Uncertain significance (1 of 4 stars; one submission).

Submission:

Women's Health and Genetics/Laboratory Corporation of America, LabCorp
Classification: Uncertain significance. Last evaluated: 2026-01-19. Review status: criteria provided, single submitter. Criteria: LabCorp Variant Classification Summary - May 2015. Collection method: clinical testing. Allele origin: germline.
Comment: Variant summary: DST NM_001144769.5 c.295G>T (p.Val99Leu) results in a conservative amino acid change in the encoded protein sequence. Algorithms developed to predict the effect of missense changes on protein structure and function all suggest that this variant is likely to be tolerated. This variant is also annotated as DST NM_001723.7 c.-257755G>T and located in the untranscribed region upstream of the DST gene region. The variant was absent in 248856 control chromosomes. The available data on variant occurrences in the general population are insufficient to allow any conclusion about variant significance. To our knowledge, no occurrence of c.-257755G>T or c.295G>T in individuals affected with DST-related conditions and no experimental evidence demonstrating its impact on protein function have been reported. No submitters have cited clinical-significance assessments for this variant to ClinVar. Based on the evidence outlined above, the variant was classified as uncertain significance.